The following is an entry in ClinVar:

ClinVar aggregate classification (germline): Uncertain significance. Review status: criteria provided, multiple submitters, no conflicts (2 of 4 stars). 2 submissions from 2 submitters: Uncertain significance (2). Last evaluated 2024-10-21.

Conditions:
Chilblain lupus 2 (CHBL2). Identifiers: MedGen C3280721, MONDO:0013739, OMIM 614415.
Aicardi-Goutieres syndrome 5. Identifiers: Orphanet 51, MedGen C2749659, MONDO:0013059, OMIM 612952.

Allele frequency attached by ClinVar (database versions not stated): ExAC 0.00001; gnomAD exomes 0.00001 and 0.00003; TOPMed 0.00001.
gnomAD v4.1: 48 of 1,613,810 alleles (0.003%); highest among the groups gnomAD compares: Middle Eastern, 0.56%; 3 homozygotes.

Submissions (2):

Labcorp Genetics (formerly Invitae), Labcorp
Classification: Uncertain significance for Aicardi-Goutieres syndrome 5. Last evaluated: 2024-10-21. Review status: criteria provided, single submitter. Criteria: Invitae Variant Classification Sherloc (09022015). Collection method: clinical testing. Allele origin: germline.
Comment: This sequence change replaces aspartic acid, which is acidic and polar, with asparagine, which is neutral and polar, at codon 600 of the SAMHD1 protein (p.Asp600Asn). This variant is present in population databases (rs761596589, gnomAD 0.002%). This variant has not been reported in the literature in individuals affected with SAMHD1-related conditions. ClinVar contains an entry for this variant (Variation ID: 836506). Invitae Evidence Modeling of protein sequence and biophysical properties (such as structural, functional, and spatial information, amino acid conservation, physicochemical variation, residue mobility, and thermodynamic stability) indicates that this missense variant is not expected to disrupt SAMHD1 protein function with a negative predictive value of 95%. In summary, the available evidence is currently insufficient to determine the role of this variant in disease. Therefore, it has been classified as a Variant of Uncertain Significance.

New York Genome Center
Classification: Uncertain significance for Chilblain lupus 2; Aicardi-Goutieres syndrome 5. Last evaluated: 2021-07-23. Review status: criteria provided, single submitter. Criteria: NYGC Assertion Criteria 2020. Collection method: clinical testing. Allele origin: germline. Observed: 1 heterozygote. Study: CSER-NYCKidSeq.

NM_015474.4(SAMHD1):c.1798G>A (p.Asp600Asn)

Genes: SAMHD1 (SAM and HD domain containing deoxynucleoside triphosphate triphosphohydrolase 1; minus strand), TLDC2 (TBC/LysM-associated domain containing 2; plus strand). Cytogenetic location: 20q11.23.
Variant type: single nucleotide variant.
Coding change: c.1798G>A on transcript NM_015474.4 (MANE Select); coding-DNA position 1798, G replaced by A.
Protein change: p.Asp600Asn; replaces aspartic acid 600 with asparagine.
Molecular consequence: missense variant. On other transcripts: 3 prime UTR variant (3).
Genome position (GRCh38, 1-based): chr20:36,893,015, C>T on the plus strand (G>A on the coding strand, the complement: SAMHD1 is on the minus strand). VCF-style: chr20-36893015-C-T. GRCh37 (hg19) VCF-style: chr20-35521418-C-T.
Other names: c.*171C>T (NM_001304783.1, NM_080628.3); c.1693G>A, p.Asp565Asn (NM_001363729.2); c.*891G>A (NM_001363733.2); short protein forms D600N, D565N.
Identifiers: ClinVar variation 836506 (VCV000836506.7), dbSNP rs761596589, ClinGen allele CA9844407.